The following is an entry in ClinVar:

NM_000196.4(HSD11B2):c.266G>A (p.Gly89Asp)

Gene: HSD11B2 (hydroxysteroid 11-beta dehydrogenase 2; plus strand). Cytogenetic location: 16q22.1.
Variant type: single nucleotide variant.
Coding change: c.266G>A on transcript NM_000196.4 (MANE Select); coding-DNA position 266, G replaced by A.
Protein change: p.Gly89Asp; replaces glycine 89 with aspartic acid.
Molecular consequence: missense variant.
Genome position (GRCh38, 1-based): chr16:67,435,628, G>A. VCF-style: chr16-67435628-G-A. GRCh37 (hg19) VCF-style: chr16-67469531-G-A.
Other names: short protein forms G89D.
Identifiers: ClinVar variation 447525 (VCV000447525.18), dbSNP rs1555518481, ClinGen allele CA396277387.
Genomic context (GRCh38, chr16:67,435,628, plus strand): 5'-GGTTGTCTCAGGCTAGGCTGGGCCACAGTGGAAGTTCACTGACTGCCCTGGCCTGGCCAG[G>A]CTGTGACTCTGGTTTTGGCAAGGAGACGGCCAAGAAACTGGACTCCATGGGCTTCACGGT-3'
Protein context (NP_000187.3, residues 79-99): PVATRAVLIT[Gly89Asp]CDSGFGKETA

ClinVar aggregate classification (germline): Conflicting classifications of pathogenicity. Review status: criteria provided, conflicting classifications (1 of 4 stars). 5 submissions from 5 submitters: Pathogenic (1); Likely pathogenic (3); Uncertain significance (1). Last evaluated 2026-08-03.

Conditions:
HSD11B2-related disorder. Also called: HSD11B2-related condition.
Apparent mineralocorticoid excess (AME). Also called: CORTISOL 11-BETA-KETOREDUCTASE DEFICIENCY. Identifiers: Orphanet 320, MedGen C0342488, MONDO:0009025, OMIM 218030.

Allele frequency attached by ClinVar (database versions not stated): gnomAD exomes 0.00001.
gnomAD v4.1: 4 of 1,612,912 alleles (0.00025%); highest among the groups gnomAD compares: Middle Eastern, 0.066%; no homozygotes.

Submissions (5):

GeneDx
Classification: Likely pathogenic. Last evaluated: 2026-08-03. Review status: criteria provided, single submitter. Criteria: GeneDx Variant Classification Process June 2021. Collection method: clinical testing. Allele origin: germline.
Comment: Not observed at significant frequency in large population cohorts (gnomAD); In silico analysis supports that this missense variant has a deleterious effect on protein structure/function; In silico analysis is inconclusive as to whether the variant alters gene splicing. In the absence of RNA/functional studies, the actual effect of this sequence change is unknown.; This variant is associated with the following publications: (PMID: 29229831, 24123366, 25593612)

PreventionGenetics, part of Exact Sciences
Classification: Likely pathogenic for HSD11B2-related condition. Last evaluated: 2026-07-02. Review status: criteria provided, single submitter. Criteria: ACMG Guidelines, 2015. Collection method: clinical testing. Allele origin: germline.
Comment: The HSD11B2 c.266G>A variant is predicted to result in the amino acid substitution p.Gly89Asp. This variant is also the first nucleotide of exon 2 and could possibly weaken the canonical splice acceptor site which may result in aberrant splicing (Alamut Visual v2.11). The c.266G>A variant has been reported in the homozygous state in at least two siblings with apparent mineralcortoicoid excess (AME) syndrome (Zahraldin et al. 2015. PubMed ID: 25593612). In a structural study the p.Gly89Asp substitution was reported to result in severe steric clashes with NAD, affecting coenzyme binding (Yau et al. 2017. PubMed ID: 29229831). In summary, the c.266G>A variant is likely pathogenic.

Genomic Medicine Center of Excellence, King Faisal Specialist Hospital and Research Centre
Classification: Likely pathogenic for Apparent mineralocorticoid excess. Last evaluated: 2025-09-10. Review status: criteria provided, single submitter. Criteria: ACMG Guidelines, 2015. Collection method: clinical testing. Allele origin: germline.

Institute of Human Genetics Munich, TUM University Hospital
Classification: Pathogenic for Apparent mineralocorticoid excess. Last evaluated: 2018-01-25. Review status: criteria provided, single submitter. Criteria: Classification criteria August 2017. Collection method: clinical testing. Allele origin: inherited. Inheritance: Autosomal recessive inheritance. Affected: yes. Observed: 1 homozygote.

Athena Diagnostics
Classification: Uncertain significance. Last evaluated: 2017-03-16. Review status: criteria provided, single submitter. Criteria: Athena Diagnostics Criteria. Collection method: clinical testing. Allele origin: germline.

Literature cited by the submitters: PubMed 24123366 (cited by Athena Diagnostics); PubMed 25593612 (cited by Athena Diagnostics).